The following is an entry in ClinVar:

ClinVar aggregate classification (germline): Conflicting classifications of pathogenicity. Review status: criteria provided, conflicting classifications (1 of 4 stars). 5 submissions from 5 submitters: Uncertain significance (1); Likely benign (3). 1 of the submissions does not count toward it. Last evaluated 2026-01-17.

Conditions:
FBXL4-related disorder. Also called: FBXL4-related condition.
Mitochondrial DNA depletion syndrome 13. Also called: Mitochondrial DNA depletion syndrome 13 (encephalomyopathic type); FBXL4-Related Encephalomyopathic Mitochondrial DNA Depletion Syndrome. Identifiers: Orphanet 369897, MedGen C3809592, MONDO:0014198, OMIM 615471.

Allele frequency attached by ClinVar (database versions not stated): gnomAD 0.00001; ExAC 0.00003; TOPMed 0.00003; gnomAD exomes 0.00005.
gnomAD v4.1: 49 of 1,613,902 alleles (0.003%); highest among the groups gnomAD compares: Middle Eastern, 0.016%; no homozygotes.

Submissions (5):

Labcorp Genetics (formerly Invitae), Labcorp
Classification: Likely benign. Last evaluated: 2026-01-17. Review status: criteria provided, single submitter. Criteria: Invitae Variant Classification Sherloc (09022015). Collection method: clinical testing. Allele origin: germline.

Mayo Clinic Laboratories, Mayo Clinic
Classification: Likely benign. Last evaluated: 2024-12-27. Review status: criteria provided, single submitter. Criteria: ACMG Guidelines, 2015. Collection method: clinical testing. Allele origin: germline. Observed: 1 variant allele.
Comment: BP4, BP7

Blueprint Genetics
Classification: Likely benign. Last evaluated: 2024-05-27. Review status: criteria provided, single submitter. Criteria: ACMG Guidelines, 2015. Collection method: clinical testing. Allele origin: germline.

Wong Mito Lab, Molecular and Human Genetics, Baylor College of Medicine
Classification: Uncertain significance for Mitochondrial DNA depletion syndrome 13. Last evaluated: 2017-08-10. Review status: criteria provided, single submitter. Criteria: ACMG Guidelines, 2015. Collection method: reference population. Allele origin: germline.
Comment: The NM_012160.4:c.1020A>G (NP_036292.2:p.Leu340=) [GRCH38: NC_000006.12:g.98905509T>C] variant in FBXL4 gene is interpretated to be a Uncertain Significance - Conflicting Evidence based on ACMG guidelines (PMID: 25741868). This variant meets one or more of the following evidence codes reported in the ACMG-guideline. PM2:This variant is absent in key population databases. BP4:Computational evidence/predictors indicate no impact on the FBXL4 structure, function, or protein-protein interaction. BP7:The variant is silent with non predicted splice impact. Based on this evidence code ClinGen Pathogenicity Calculator (PMID:28081714) suggested that the variant is Uncertain Significance - Conflicting Evidence.

PreventionGenetics, part of Exact Sciences
Classification: Likely benign for FBXL4-related condition. Last evaluated: 2019-09-12. Review status: no assertion criteria provided. Collection method: clinical testing. Allele origin: germline. Not counted in ClinVar's aggregate classification.
Comment: This variant is classified as likely benign based on ACMG/AMP sequence variant interpretation guidelines (Richards et al. 2015 PMID: 25741868, with internal and published modifications).

NM_001278716.2(FBXL4):c.1020A>G (p.Leu340=)

Gene: FBXL4 (F-box and leucine rich repeat protein 4; minus strand). Cytogenetic location: 6q16.2.
Variant type: single nucleotide variant.
Coding change: c.1020A>G on transcript NM_001278716.2 (MANE Select); coding-DNA position 1020, A replaced by G.
Protein change: p.Leu340=; no amino-acid change (leucine 340 retained).
Molecular consequence: synonymous variant. On other transcripts: non-coding transcript variant (2).
Genome position (GRCh38, 1-based): chr6:98,905,509, T>C on the plus strand (A>G on the coding strand, the complement: FBXL4 is on the minus strand). VCF-style: chr6-98905509-T-C. GRCh37 (hg19) VCF-style: chr6-99353385-T-C.
Other names: p.Leu340=; c.1020A>G, p.Leu340= (NM_012160.5).
Identifiers: ClinVar variation 437676 (VCV000437676.12), dbSNP rs747657121, ClinGen allele CA3933562.